The following is an entry in ClinVar:

NM_007294.4(BRCA1):c.5091T>G (p.Cys1697Trp)

Gene: BRCA1 (BRCA1 DNA repair associated; minus strand). Cytogenetic location: 17q21.31.
Variant type: single nucleotide variant.
Coding change: c.5091T>G on transcript NM_007294.4 (MANE Select); coding-DNA position 5091, T replaced by G.
Protein change: p.Cys1697Trp; replaces cysteine 1697 with tryptophan.
Molecular consequence: missense variant. On other transcripts: non-coding transcript variant (1).
Genome position (GRCh38, 1-based): chr17:43,063,935, A>C on the plus strand (T>G on the coding strand, the complement: BRCA1 is on the minus strand). VCF-style: chr17-43063935-A-C. GRCh37 (hg19) VCF-style: chr17-41215952-A-C.
Other names: c.4950T>G, p.Cys1650Trp (NM_007297.4, NM_001407696.1, NM_001407697.1 and 13 more transcripts); c.1779T>G, p.Cys593Trp (NM_007298.4, NM_007299.4, NM_007304.2 and 13 more transcripts); c.5154T>G, p.Cys1718Trp (NM_007300.4, NM_001407583.1, NM_001407585.1 and 1 more transcripts); c.4878T>G, p.Cys1626Trp (NM_001407571.1, NM_001407894.1, NM_001407895.1 and 12 more transcripts); c.5157T>G, p.Cys1719Trp (NM_001407581.1, NM_001407582.1); c.5151T>G, p.Cys1717Trp (NM_001407590.1, NM_001407591.1); c.5091T>G, p.Cys1697Trp (NM_001407593.1, NM_001407594.1, NM_001407596.1 and 7 more transcripts); c.5088T>G, p.Cys1696Trp (NM_001407615.1, NM_001407616.1, NM_001407617.1 and 17 more transcripts); and 71 more; short protein forms C593W, C1650W, C1697W, C1718W, C1569W, C1584W, C1607W, C1608W.
Identifiers: ClinVar variation 801082 (VCV000801082.8), dbSNP rs1597820426, ClinGen allele CA10591343.
Genomic context (GRCh38, chr17:43,063,935, plus strand): 5'-GAAATAGCTAACTACCCATTTTCCTCCCGCAATTCCTAGAAAATATTTCAGTGTCCGTTC[A>C]CACACAAACTCAGCATCTGCAGAATGAAAAACACTCAAAGGATTAGAAGTTGAAAACAAA-3'
Protein context (NP_009225.1, residues 1687-1707): VVMKTDAEFV[Cys1697Trp]ERTLKYFLGI

ClinVar aggregate classification (germline): Conflicting classifications of pathogenicity. Review status: criteria provided, conflicting classifications (1 of 4 stars). 3 submissions from 3 submitters: Likely pathogenic (1); Uncertain significance (2). Last evaluated 2024-02-02.

Conditions:
Hereditary breast ovarian cancer syndrome. Also called: BRCA1- and BRCA2-Associated Hereditary Breast and Ovarian Cancer; Hereditary breast and ovarian cancer syndrome (HBOC); Hereditary breast and ovarian cancer syndrome; Breast and ovarian cancer; Hereditary breast and ovarian cancer; Hereditary breast and/or ovarian cancer syndrome. Identifiers: Orphanet 145, MedGen C0677776, MeSH D061325, MONDO:0003582. Disease mechanism: loss of function.
Breast-ovarian cancer, familial, susceptibility to, 1 (BROVCA1). Also called: OVARIAN CANCER, SUSCEPTIBILITY TO; BRCA1 Hereditary Breast and Ovarian Cancer. Identifiers: Orphanet 145, MedGen C2676676, MONDO:0011450, OMIM 604370. Disease mechanism: loss of function.

Submissions (4):

Institute of Immunology and Genetics Kaiserslautern
Classification: Uncertain significance for Breast-ovarian cancer, familial, susceptibility to, 1. Last evaluated: 2024-02-02. Review status: criteria provided, single submitter. Criteria: ACMG Guidelines, 2015. Collection method: clinical testing. Allele origin: germline. Affected: yes.
Comment: ACMG Criteria: PM2_P, PP3; Variant was found in heterozygous state

Labcorp Genetics (formerly Invitae), Labcorp
Classification: Likely pathogenic for Hereditary breast ovarian cancer syndrome. Last evaluated: 2023-07-30. Review status: criteria provided, single submitter. Criteria: Invitae Variant Classification Sherloc (09022015). Collection method: clinical testing. Allele origin: germline.
Comment: This variant disrupts the p.Cys1697 amino acid residue in BRCA1. Other variant(s) that disrupt this residue have been determined to be pathogenic (PMID: 11157798, 11389159, 18465347). This suggests that this residue is clinically significant, and that variants that disrupt this residue are likely to be disease-causing. This variant is not present in population databases (gnomAD no frequency). This variant has not been reported in the literature in individuals affected with BRCA1-related conditions. ClinVar contains an entry for this variant (Variation ID: 801082). Advanced modeling performed at Invitae incorporating data from internal and/or published experimental studies (PMID: 30209399) indicates that this missense variant is expected to disrupt BRCA1 function. In summary, the currently available evidence indicates that the variant is pathogenic, but additional data are needed to prove that conclusively. Therefore, this variant has been classified as Likely Pathogenic. This sequence change replaces cysteine, which is neutral and slightly polar, with tryptophan, which is neutral and slightly polar, at codon 1697 of the BRCA1 protein (p.Cys1697Trp).

Quest Diagnostics Nichols Institute San Juan Capistrano
Classification: Uncertain significance. Last evaluated: 2019-03-25. Review status: criteria provided, single submitter. Criteria: Quest Diagnostics criteria. Collection method: clinical testing. Allele origin: germline.

Brotman Baty Institute, University of Washington
No classification provided (evidence only). Condition: Breast-ovarian cancer, familial 1. Review status: no classification provided. Collection method: in vitro. Allele origin: not applicable. Functional consequence: functionally_abnormal. Not counted in ClinVar's aggregate classification.
ClinVar note: "not provided" was previously submitted as the classification for the variant. However, the classification appeared to be based only on an observation of functional data so it was converted to no classification on 2025-07-30.

Literature cited by the submitters: PubMed 11157798 (cited by Labcorp Genetics (formerly Invitae), Labcorp); PubMed 11389159 (cited by Labcorp Genetics (formerly Invitae), Labcorp); PubMed 18465347 (cited by Labcorp Genetics (formerly Invitae), Labcorp); PubMed 30209399 (cited by Labcorp Genetics (formerly Invitae), Labcorp).